The following is an entry in ClinVar:

NM_000165.5(GJA1):c.*498G>A

Gene: GJA1 (gap junction protein alpha 1; plus strand). Cytogenetic location: 6q22.31.
Variant type: single nucleotide variant.
Coding change: c.*498G>A on transcript NM_000165.5 (MANE Select); 498 bases downstream of the stop codon, G replaced by A.
Molecular consequence: 3 prime UTR variant.
Genome position (GRCh38, 1-based): chr6:121,448,494, G>A. VCF-style: chr6-121448494-G-A. GRCh37 (hg19) VCF-style: chr6-121769640-G-A.
Identifiers: ClinVar variation 906627 (VCV000906627.4), dbSNP rs575593821, ClinGen allele CA146810090.

ClinVar aggregate classification (germline): Conflicting classifications of pathogenicity. Review status: criteria provided, conflicting classifications (1 of 4 stars). 3 submissions from 1 submitter: Uncertain significance (1); Benign (1); Likely benign (1). Last evaluated 2018-01-13.

Conditions:
Hypoplastic left heart syndrome 1 (HLHS1). Identifiers: Orphanet 2248, MedGen C4551854, MONDO:0009433, OMIM 241550.
Syndactyly type 3 (SDTY3). Also called: RING AND LITTLE FINGER SYNDACTYLY; SYNDACTYLY OF FINGERS IV AND V. Identifiers: Orphanet 93404, MedGen C1861366, MONDO:0008514, OMIM 186100.
Oculodentodigital dysplasia (ODDD). Also called: ODD SYNDROME; Oculodentodigital syndrome. Identifiers: Orphanet 2710, MedGen C0812437, MONDO:0008111, OMIM 164200.

Allele frequency attached by ClinVar (database versions not stated): gnomAD exomes 0.00011; TOPMed 0.00060; gnomAD 0.00061 and 0.00063; 1000 Genomes Project 30x 0.00078; 1000 Genomes Project 0.00080.
gnomAD v4.1: 95 of 181,406 alleles (0.052%); highest among the groups gnomAD compares: African/African-American, 0.22%; 2 homozygotes.

Submissions (3):

Illumina Laboratory Services, Illumina
Classification: Uncertain significance for Hypoplastic left heart syndrome 1. Last evaluated: 2018-01-13. Review status: criteria provided, single submitter. Criteria: ICSL Variant Classification Criteria 13 December 2019. Collection method: clinical testing. Allele origin: germline.

Illumina Laboratory Services, Illumina
Classification: Likely benign for Oculodentodigital dysplasia. Last evaluated: 2018-01-13. Review status: criteria provided, single submitter. Criteria: ICSL Variant Classification Criteria 13 December 2019. Collection method: clinical testing. Allele origin: germline.
Comment: This variant was observed in the ICSL laboratory as part of a predisposition screen in an ostensibly healthy population. It had not been previously curated by ICSL or reported in the Human Gene Mutation Database (HGMD: prior to June 1st, 2018), and was therefore a candidate for classification through an automated scoring system. Utilizing variant allele frequency, disease prevalence and penetrance estimates, and inheritance mode, an automated score was calculated to assess if this variant is too frequent to cause the disease. Based on the score and internal cut-off values, a variant classified as likely benign is not then subjected to further curation. The score for this variant resulted in a classification of likely benign for this disease.

Illumina Laboratory Services, Illumina
Classification: Benign for Syndactyly type 3. Last evaluated: 2018-01-13. Review status: criteria provided, single submitter. Criteria: ICSL Variant Classification Criteria 13 December 2019. Collection method: clinical testing. Allele origin: germline.
Comment: This variant was observed in the ICSL laboratory as part of a predisposition screen in an ostensibly healthy population. It had not been previously curated by ICSL or reported in the Human Gene Mutation Database (HGMD: prior to June 1st, 2018), and was therefore a candidate for classification through an automated scoring system. Utilizing variant allele frequency, disease prevalence and penetrance estimates, and inheritance mode, an automated score was calculated to assess if this variant is too frequent to cause the disease. Based on the score and internal cut-off values, a variant classified as benign is not then subjected to further curation. The score for this variant resulted in a classification of benign for this disease.